The following is an entry in ClinVar:

NM_000458.4(HNF1B):c.1193C>T (p.Pro398Leu)

Gene: HNF1B (HNF1 homeobox B; minus strand). Cytogenetic location: 17q12.
Variant type: single nucleotide variant.
Coding change: c.1193C>T on transcript NM_000458.4 (MANE Select); coding-DNA position 1193, C replaced by T.
Protein change: p.Pro398Leu; replaces proline 398 with leucine.
Molecular consequence: missense variant.
Genome position (GRCh38, 1-based): chr17:37,710,516, G>A on the plus strand (C>T on the coding strand, the complement: HNF1B is on the minus strand). VCF-style: chr17-37710516-G-A. GRCh37 (hg19) VCF-style: chr17-36070524-G-A.
Other names: c.1115C>T, p.Pro372Leu (NM_001165923.4, NM_001304286.2); c.1193C>T, p.Pro398Leu (NM_001411100.1); short protein forms P372L, P398L.
Identifiers: ClinVar variation 4808658 (VCV004808658.1).
Genomic context (GRCh38, chr17:37,710,516, plus strand): 5'-CTCTTATCTTATCAGCTCCAGAGCGACAATGGCCCAGGTGTACTCACCATTTTACCATCA[G>A]GTGAGAGGAGATTGTGGCCTGGGTCCAGGCTGGCTGGGGAGACTTGCTGTAAAACCGACT-3'
Protein context (NP_000449.1, residues 388-408): SLDPGHNLLS[Pro398Leu]DGKMISVSGG

ClinVar aggregate classification (germline): Uncertain significance (1 of 4 stars; one submission).

Submission:

Labcorp Genetics (formerly Invitae), Labcorp
Classification: Uncertain significance. Last evaluated: 2025-07-27. Review status: criteria provided, single submitter. Criteria: Invitae Variant Classification Sherloc (09022015). Collection method: clinical testing. Allele origin: germline.
Comment: This sequence change replaces proline, which is neutral and non-polar, with leucine, which is neutral and non-polar, at codon 398 of the HNF1B protein (p.Pro398Leu). This variant is not present in population databases (gnomAD no frequency). This variant has not been reported in the literature in individuals affected with HNF1B-related conditions. Invitae Evidence Modeling of protein sequence and biophysical properties (such as structural, functional, and spatial information, amino acid conservation, physicochemical variation, residue mobility, and thermodynamic stability) indicates that this missense variant is not expected to disrupt HNF1B protein function with a negative predictive value of 80%. In summary, the available evidence is currently insufficient to determine the role of this variant in disease. Therefore, it has been classified as a Variant of Uncertain Significance.